The following is an entry in ClinVar:

NM_000051.4(ATM):c.5499_5509del (p.Lys1834fs)

Gene: ATM (ATM serine/threonine kinase; plus strand). Cytogenetic location: 11q22.3.
Variant type: Deletion.
Coding change: c.5499_5509del on transcript NM_000051.4 (MANE Select); coding-DNA positions 5499 to 5509, 11 bases deleted (GAAAACTGACT).
Protein change: p.Lys1834fs; shifts the reading frame from lysine 1834.
Molecular consequence: frameshift variant.
Genome position (GRCh38, 1-based): chr11:108,304,677-108,304,687, GAAAACTGACT deleted; deleting any 11 consecutive bases within chr11:108,304,676-108,304,687 gives the same sequence; the c. name uses the placement nearest the transcript's 3' end. VCF-style (leftmost placement, unchanged base first): chr11-108304675-GTGAAAACTGAC-G. GRCh37 (hg19) VCF-style: chr11-108175402-GTGAAAACTGAC-G.
Other names: c.5499_5509del, p.Lys1834fs (NM_001351834.2); short protein forms K1834fs.
Identifiers: ClinVar variation 2124551 (VCV002124551.4), dbSNP rs2546986699, ClinGen allele CA2580083160.

ClinVar aggregate classification (germline): Pathogenic (1 of 4 stars; one submission).

Conditions:
Ataxia-telangiectasia syndrome (AT). Also called: Cerebello-oculocutaneous telangiectasia; Immunodeficiency with ataxia telangiectasia; Ataxia-telangiectasia, complementation group D; Ataxia telangiectasia (A-T); ATAXIA-TELANGIECTASIA, COMPLEMENTATION GROUP A; ATAXIA-TELANGIECTASIA, FRESNO VARIANT. Identifiers: Orphanet 100, MedGen C0004135, MONDO:0008840, OMIM 208900.

Submission:

Labcorp Genetics (formerly Invitae), Labcorp
Classification: Pathogenic for Ataxia-telangiectasia syndrome. Last evaluated: 2024-09-19. Review status: criteria provided, single submitter. Criteria: Invitae Variant Classification Sherloc (09022015). Collection method: clinical testing. Allele origin: germline.
Comment: This sequence change creates a premature translational stop signal (p.Lys1834Leufs*11) in the ATM gene. It is expected to result in an absent or disrupted protein product. Loss-of-function variants in ATM are known to be pathogenic (PMID: 23807571, 25614872). This variant is not present in population databases (gnomAD no frequency). This variant has not been reported in the literature in individuals affected with ATM-related conditions. ClinVar contains an entry for this variant (Variation ID: 2124551). For these reasons, this variant has been classified as Pathogenic.

Literature cited by the submitters: PubMed 23807571; PubMed 25614872.